The following is an entry in ClinVar:

ClinVar aggregate classification (germline): Benign (1 of 4 stars; one submission).

Conditions:
Leigh syndrome (NULS). Also called: Leigh's necrotizing encephalopathy; Leigh's disease; Leigh Syndrome (mtDNA deletion); Leigh Disease; Subacute necrotizing encephalopathy; Necrotizing encephalopathy infantile subacute of Leigh. Identifiers: Orphanet 506, MedGen C2931891, MONDO:0009723, OMIM 256000.

Submission:

Wong Mito Lab, Molecular and Human Genetics, Baylor College of Medicine
Classification: Benign for Leigh syndrome. Last evaluated: 2019-10-17. Review status: criteria provided, single submitter. Criteria: Modified ACMG Guidelines (Unpublished). Collection method: clinical testing. Allele origin: germline.
Comment: The NC_012920.1:m.4924G>A (YP_003024027.1:p.Ser152Asn) variant in MTND2 gene is interpretated to be a Benign variant based on the modified ACMG guidelines (unpublished). This variant meets the following evidence codes: BS1, BS2, BP4

NC_012920.1(MT-ND2):m.4924G>A

Gene: MT-ND2 (mitochondrially encoded NADH dehydrogenase 2; plus strand).
Variant type: single nucleotide variant.
Genome position: chrM-4924-G-A.
Identifiers: ClinVar variation 692520 (VCV000692520.1), dbSNP rs386828956, ClinGen allele CA414778112.